The following is an entry in ClinVar:

ClinVar aggregate classification (germline): Uncertain significance. Review status: criteria provided, multiple submitters, no conflicts (2 of 4 stars). 2 submissions from 2 submitters: Uncertain significance (2). Last evaluated 2022-07-26.

Conditions:
Inborn genetic diseases. Identifiers: MedGen C0950123, MeSH D030342.

Allele frequency attached by ClinVar (database versions not stated): ExAC 0.00001.
gnomAD v4.1: 5 of 1,610,682 alleles (0.00031%); highest among the groups gnomAD compares: Admixed American, 0.0017%; no homozygotes.

Submissions (2):

Labcorp Genetics (formerly Invitae), Labcorp
Classification: Uncertain significance. Last evaluated: 2022-07-26. Review status: criteria provided, single submitter. Criteria: Invitae Variant Classification Sherloc (09022015). Collection method: clinical testing. Allele origin: germline.
Comment: In summary, the available evidence is currently insufficient to determine the role of this variant in disease. Therefore, it has been classified as a Variant of Uncertain Significance. Algorithms developed to predict the effect of missense changes on protein structure and function are either unavailable or do not agree on the potential impact of this missense change (SIFT: "Not Available"; PolyPhen-2: "Probably Damaging"; Align-GVGD: "Not Available"). This missense change has been observed in individual(s) with autism spectrum disorder (PMID: 26637798). This variant is present in population databases (rs780706686, gnomAD 0.003%). This sequence change replaces glycine, which is neutral and non-polar, with valine, which is neutral and non-polar, at codon 1094 of the ADNP protein (p.Gly1094Val).

Ambry Genetics
Classification: Uncertain significance for Inborn genetic diseases. Last evaluated: 2022-03-16. Review status: criteria provided, single submitter. Criteria: Ambry Variant Classification Scheme 2023. Collection method: clinical testing. Allele origin: germline.

Literature cited by the submitters: PubMed 26637798 (cited by Labcorp Genetics (formerly Invitae), Labcorp and Ambry Genetics).

NM_001282531.3(ADNP):c.3281G>T (p.Gly1094Val)

Gene: ADNP (activity dependent neuroprotector homeobox; minus strand). Cytogenetic location: 20q13.13.
Variant type: single nucleotide variant.
Coding change: c.3281G>T on transcript NM_001282531.3 (MANE Select); coding-DNA position 3281, G replaced by T.
Protein change: p.Gly1094Val; replaces glycine 1094 with valine.
Molecular consequence: missense variant.
Genome position (GRCh38, 1-based): chr20:50,891,433, C>A on the plus strand (G>T on the coding strand, the complement: ADNP is on the minus strand). VCF-style: chr20-50891433-C-A. GRCh37 (hg19) VCF-style: chr20-49507970-C-A.
Other names: c.3281G>T, p.Gly1094Val (NM_001282532.2, NM_001347511.2, NM_015339.5 and 1 more transcripts); short protein forms G1094V.
Identifiers: ClinVar variation 1729749 (VCV001729749.7), dbSNP rs780706686, ClinGen allele CA9908416.
Genomic context (GRCh38, chr20:50,891,433, plus strand): 5'-CAGCATGTCACCAACGCCAGGGAACCTGGCACTTAGGCCTGTTGGCTGCTCAGTTTAACT[C>A]CGGCTAAGCTGCCATGCATGGGCTCAGCTACTCCATCAGTCATGTTGTCAAACTGTTCCC-3'
Protein context (NP_001269460.1, residues 1084-1102): VAEPMHGSLA[Gly1094Val]VKLSSQQA